The following is an entry in ClinVar:

ClinVar aggregate classification (germline): Conflicting classifications of pathogenicity. Review status: criteria provided, conflicting classifications (1 of 4 stars). 3 submissions from 3 submitters: Uncertain significance (2); Likely benign (1). Last evaluated 2023-12-06.

Conditions:
Hereditary cancer-predisposing syndrome. Also called: Tumor predisposition; Hereditary neoplastic syndrome; Hereditary Cancer Syndrome; Neoplastic Syndromes, Hereditary. Identifiers: Orphanet 140162, MedGen C0027672, MeSH D009386, MONDO:0015356.
Hereditary breast ovarian cancer syndrome. Also called: Hereditary breast and ovarian cancer syndrome; Hereditary breast and ovarian cancer; Hereditary breast and ovarian cancer syndrome (HBOC); BRCA1- and BRCA2-Associated Hereditary Breast and Ovarian Cancer; Hereditary breast and/or ovarian cancer syndrome; Breast and ovarian cancer. Identifiers: Orphanet 145, MedGen C0677776, MeSH D061325, MONDO:0003582. Disease mechanism: loss of function.

Allele frequency attached by ClinVar (database versions not stated): TOPMed below 0.00001.

Submissions (3):

Ambry Genetics
Classification: Uncertain significance for Hereditary cancer-predisposing syndrome. Last evaluated: 2023-12-06. Review status: criteria provided, single submitter. Criteria: Ambry Variant Classification Scheme 2023. Collection method: clinical testing. Allele origin: germline.
Comment: The p.E2115V variant (also known as c.6344A>T), located in coding exon 10 of the BRCA2 gene, results from an A to T substitution at nucleotide position 6344. The glutamic acid at codon 2115 is replaced by valine, an amino acid with dissimilar properties. This amino acid position is not well conserved in available vertebrate species. In addition, this alteration is predicted to be tolerated by in silico analysis. Since supporting evidence is limited at this time, the clinical significance of this alteration remains unclear.

University of Washington Department of Laboratory Medicine, University of Washington
Classification: Likely benign for Hereditary cancer-predisposing syndrome. Last evaluated: 2023-03-23. Review status: criteria provided, single submitter. Criteria: Dines et al. (Genet Med. 2020). Collection method: curation. Allele origin: germline.
Comment: Missense variant in a coldspot region where missense variants are very unlikely to be pathogenic (PMID:31911673).

BRCA2 exon 11 coldspot. Reclassification based on statistical prior probability.

Labcorp Genetics (formerly Invitae), Labcorp
Classification: Uncertain significance for Hereditary breast ovarian cancer syndrome. Last evaluated: 2020-02-24. Review status: criteria provided, single submitter. Criteria: Invitae Variant Classification Sherloc (09022015). Collection method: clinical testing. Allele origin: germline.
Comment: This sequence change replaces glutamic acid with valine at codon 2115 of the BRCA2 protein (p.Glu2115Val). The glutamic acid residue is weakly conserved and there is a moderate physicochemical difference between glutamic acid and valine. This variant is not present in population databases (ExAC no frequency). This variant has not been reported in the literature in individuals with BRCA2-related conditions. Algorithms developed to predict the effect of missense changes on protein structure and function are either unavailable or do not agree on the potential impact of this missense change (SIFT: "Tolerated"; PolyPhen-2: "Probably Damaging"; Align-GVGD: "Class C0"). In summary, the available evidence is currently insufficient to determine the role of this variant in disease. Therefore, it has been classified as a Variant of Uncertain Significance.

NM_000059.4(BRCA2):c.6344A>T (p.Glu2115Val)

Gene: BRCA2 (BRCA2 DNA repair associated; plus strand). Cytogenetic location: 13q13.1.
Variant type: single nucleotide variant.
Coding change: c.6344A>T on transcript NM_000059.4 (MANE Select); coding-DNA position 6344, A replaced by T.
Protein change: p.Glu2115Val; replaces glutamic acid 2115 with valine.
Molecular consequence: missense variant.
Genome position (GRCh38, 1-based): chr13:32,340,699, A>T. VCF-style: chr13-32340699-A-T. GRCh37 (hg19) VCF-style: chr13-32914836-A-T.
Other names: c.6344A>T (NM_000059.3); short protein forms E2115V.
Identifiers: ClinVar variation 1052290 (VCV001052290.50), dbSNP rs397507370, ClinGen allele CA387789112.